The following is an entry in ClinVar:

NM_002335.4(LRP5):c.4781_4797del (p.Pro1594fs)

Gene: LRP5 (LDL receptor related protein 5; plus strand). Cytogenetic location: 11q13.2.
Variant type: Deletion.
Coding change: c.4781_4797del on transcript NM_002335.4 (MANE Select); coding-DNA positions 4781 to 4797, 17 bases deleted (CCGCCACCGAGAGGAGC).
Protein change: p.Pro1594fs; shifts the reading frame from proline 1594.
Molecular consequence: frameshift variant.
Genome position (GRCh38, 1-based): chr11:68,449,003-68,449,019, CCGCCACCGAGAGGAGC deleted; deleting any 17 consecutive bases within chr11:68,449,001-68,449,019 gives the same sequence; the c. name uses the placement nearest the transcript's 3' end. VCF-style (leftmost placement, unchanged base first): chr11-68449000-CGCCCGCCACCGAGAGGA-C. GRCh37 (hg19) VCF-style: chr11-68216468-CGCCCGCCACCGAGAGGA-C.
Other names: c.3038_3054del, p.Pro1013fs (NM_001291902.2); short protein forms P1013fs, P1594fs.
Identifiers: ClinVar variation 1453204 (VCV001453204.8), dbSNP rs2153185913, ClinGen allele CA2573147542.

ClinVar aggregate classification (germline): Pathogenic (1 of 4 stars; one submission).

Submission:

Labcorp Genetics (formerly Invitae), Labcorp
Classification: Pathogenic. Last evaluated: 2021-03-15. Review status: criteria provided, single submitter. Criteria: Invitae Variant Classification Sherloc (09022015). Collection method: clinical testing. Allele origin: germline.
Comment: For these reasons, this variant has been classified as Pathogenic. This variant disrupts the C-terminus of the LRP5 protein. Other variant(s) that disrupt this region (p.Glu1597*) have been determined to be pathogenic (PMID: 30283887, 31106028). This suggests that variants that disrupt this region of the protein are likely to be causative of disease. This variant has not been reported in the literature in individuals with LRP5-related conditions. This variant is not present in population databases (ExAC no frequency). This sequence change results in a frameshift in the LRP5 gene (p.Pro1594Leufs*44). While this is not anticipated to result in nonsense mediated decay, it is expected to disrupt the last 22 amino acid(s) of the LRP5 protein and extend the protein by 21 additional amino acid residues.

Literature cited by the submitters: PubMed 30283887; PubMed 31106028.